The following is an entry in ClinVar:

NM_001813.3(CENPE):c.2981A>G (p.Asn994Ser)

Gene: CENPE (centromere protein E; minus strand). Cytogenetic location: 4q24.
Variant type: single nucleotide variant.
Coding change: c.2981A>G on transcript NM_001813.3 (MANE Select); coding-DNA position 2981, A replaced by G.
Protein change: p.Asn994Ser; replaces asparagine 994 with serine.
Molecular consequence: missense variant.
Genome position (GRCh38, 1-based): chr4:103,158,352, T>C on the plus strand (A>G on the coding strand, the complement: CENPE is on the minus strand). VCF-style: chr4-103158352-T-C. GRCh37 (hg19) VCF-style: chr4-104079509-T-C.
Other names: c.2906A>G, p.Asn969Ser (NM_001286734.2); short protein forms N969S, N994S.
Identifiers: ClinVar variation 2504866 (VCV002504866.1), dbSNP rs2478341067, ClinGen allele CA357783271.
Genomic context (GRCh38, chr4:103,158,352, plus strand): 5'-CCCTTTACCTTTTGCTGAAATTCATCTTTAGTTTCTCCTGTATTTTCCTCCATATGCAAA[T>C]TCCTGGAAACTTCCTCAGAAATTTTCGATTTTAGTGTATTAATTGTTTCTTGATGTTGTT-3'
Protein context (NP_001804.2, residues 984-1004): KSKISEEVSR[Asn994Ser]LHMEENTGET

ClinVar aggregate classification (germline): Uncertain significance (1 of 4 stars; one submission).

Submission:

GeneDx
Classification: Uncertain significance. Last evaluated: 2022-11-25. Review status: criteria provided, single submitter. Criteria: GeneDx Variant Classification Process June 2021. Collection method: clinical testing. Allele origin: germline. Affected: yes.
Comment: Not observed at significant frequency in large population cohorts (gnomAD); In silico analysis supports that this missense variant does not alter protein structure/function; Has not been previously published as pathogenic or benign to our knowledge